The following is an entry in ClinVar:

ClinVar aggregate classification (germline): Conflicting classifications of pathogenicity. Review status: criteria provided, conflicting classifications (1 of 4 stars). 5 submissions from 5 submitters: Uncertain significance (2); Likely benign (3). Last evaluated 2025-10-09.

Conditions:
Hereditary cancer-predisposing syndrome. Also called: Hereditary neoplastic syndrome; Hereditary Cancer Syndrome; Neoplastic Syndromes, Hereditary; Tumor predisposition. Identifiers: Orphanet 140162, MedGen C0027672, MeSH D009386, MONDO:0015356.
Fanconi anemia (FA). Also called: Fanconi's anemia. Identifiers: Orphanet 84, MedGen C0015625, MeSH D005199, MONDO:0019391.
Fanconi anemia complementation group A (FANCA). Also called: FANCA-Related Fanconi Anemia; Fanconi anemia, group A. Identifiers: Orphanet 84, MedGen C3469521, MONDO:0009215, OMIM 227650.

Allele frequency attached by ClinVar (database versions not stated): gnomAD 0.00001; gnomAD exomes 0.00001 and 0.00003; TOPMed 0.00001; ExAC 0.00004.
gnomAD v4.1: 16 of 1,610,058 alleles (0.00099%); highest among the groups gnomAD compares: Admixed American, 0.018%; no homozygotes.

Submissions (5):

Labcorp Genetics (formerly Invitae), Labcorp
Classification: Likely benign for Fanconi anemia. Last evaluated: 2025-10-09. Review status: criteria provided, single submitter. Criteria: Invitae Variant Classification Sherloc (09022015). Collection method: clinical testing. Allele origin: germline.

Quest Diagnostics Nichols Institute San Juan Capistrano
Classification: Uncertain significance. Last evaluated: 2024-08-06. Review status: criteria provided, single submitter. Criteria: Quest Diagnostics criteria. Collection method: clinical testing. Allele origin: unknown.
Comment: The FANCC c.166-5C>T variant has not been reported in individuals with FANCC-related conditions in the published literature. The frequency of this variant in the general population, 0.00023 (8/34540 chromosomes (Genome Aggregation Database)), is uninformative in the assessment of its pathogenicity. Analysis of this variant using software algorithms for the prediction of the effect of nucleotide changes on splicing yielded predictions that this variant does not affect FANCC mRNA splicing. Based on the available information, we are unable to determine the clinical significance of this variant.

Ambry Genetics
Classification: Uncertain significance for Hereditary cancer-predisposing syndrome. Last evaluated: 2024-02-23. Review status: criteria provided, single submitter. Criteria: Ambry Variant Classification Scheme 2023. Collection method: clinical testing. Allele origin: germline.
Comment: The c.166-5C>T intronic variant results from a C to T substitution 5 nucleotides upstream from coding exon 2 in the FANCC gene. This nucleotide position is poorly conserved in available vertebrate species. In silico splice site analysis predicts that this alteration will not have any significant effect on splicing. Since supporting evidence is limited at this time, the clinical significance of this alteration remains unclear.

GeneDx
Classification: Likely benign. Last evaluated: 2019-06-04. Review status: criteria provided, single submitter. Criteria: GeneDx Variant Classification Process June 2021. Collection method: clinical testing. Allele origin: germline. Affected: yes.

Mendelics
Classification: Likely benign for Fanconi anemia complementation group A. Last evaluated: 2019-05-28. Review status: criteria provided, single submitter. Criteria: Mendelics Assertion Criteria 2017. Collection method: clinical testing. Allele origin: unknown.

NM_000136.3(FANCC):c.166-5C>T

Gene: FANCC (FA complementation group C; minus strand). Cytogenetic location: 9q22.32.
Variant type: single nucleotide variant.
Coding change: c.166-5C>T on transcript NM_000136.3 (MANE Select); 5 bases into the intron before coding-DNA position 166, C replaced by T.
Molecular consequence: intron variant.
Genome position (GRCh38, 1-based): chr9:95,247,521, G>A on the plus strand (C>T on the coding strand, the complement: FANCC is on the minus strand). VCF-style: chr9-95247521-G-A. GRCh37 (hg19) VCF-style: chr9-98009803-G-A.
Other names: c.166-5C>T (NM_001243743.2, NM_001243744.2).
Identifiers: ClinVar variation 237068 (VCV000237068.20), dbSNP rs753820400, ClinGen allele CA5137812.